The following is an entry in ClinVar:

ClinVar aggregate classification (germline): Likely benign. Review status: criteria provided, multiple submitters, no conflicts (2 of 4 stars). 3 submissions from 3 submitters: Likely benign (3). Last evaluated 2026-09-08.

Conditions:
CABP4-related disorder. Also called: CABP4-related condition.

Allele frequency attached by ClinVar (database versions not stated): TOPMed 0.00002; gnomAD 0.00005; ExAC 0.00007.
gnomAD v4.1: 41 of 1,604,698 alleles (0.0026%); highest among the groups gnomAD compares: East Asian, 0.0045%; no homozygotes.

Submissions (3):

PreventionGenetics, part of Exact Sciences
Classification: Likely benign for CABP4-related condition. Last evaluated: 2026-09-08. Review status: criteria provided, single submitter. Criteria: ACMG Guidelines, 2015. Collection method: clinical testing. Allele origin: germline.
Comment: This variant is classified as likely benign based on ACMG/AMP sequence variant interpretation guidelines (Richards et al. 2015 PMID: 25741868, with internal and published modifications).

Labcorp Genetics (formerly Invitae), Labcorp
Classification: Likely benign. Last evaluated: 2024-02-24. Review status: criteria provided, single submitter. Criteria: Invitae Variant Classification Sherloc (09022015). Collection method: clinical testing. Allele origin: germline.

Blueprint Genetics
Classification: Likely benign. Last evaluated: 2021-10-25. Review status: criteria provided, single submitter. Criteria: ACMG Guidelines, 2015. Collection method: clinical testing. Allele origin: germline.

NM_145200.5(CABP4):c.609G>A (p.Ala203=)

Gene: CABP4 (calcium binding protein 4; plus strand). Cytogenetic location: 11q13.2.
Variant type: single nucleotide variant.
Coding change: c.609G>A on transcript NM_145200.5 (MANE Select); coding-DNA position 609, G replaced by A.
Protein change: p.Ala203=; no amino-acid change (alanine 203 retained).
Molecular consequence: synonymous variant. On other transcripts: non-coding transcript variant (1).
Genome position (GRCh38, 1-based): chr11:67,457,640, G>A. VCF-style: chr11-67457640-G-A. GRCh37 (hg19) VCF-style: chr11-67225111-G-A.
Other names: c.294G>A, p.Ala98= (NM_001300895.3, NM_001300896.3, NM_001379183.1); c.609G>A (NM_145200.3).
Identifiers: ClinVar variation 2078489 (VCV002078489.6), dbSNP rs745394874, ClinGen allele CA6140291.